The following is an entry in ClinVar:

NM_198253.3(TERT):c.2231A>G (p.Tyr744Cys)

Gene: TERT (telomerase reverse transcriptase; minus strand). Cytogenetic location: 5p15.33.
Variant type: single nucleotide variant.
Coding change: c.2231A>G on transcript NM_198253.3 (MANE Select); coding-DNA position 2231, A replaced by G.
Protein change: p.Tyr744Cys; replaces tyrosine 744 with cysteine.
Molecular consequence: missense variant. On other transcripts: non-coding transcript variant (2).
Genome position (GRCh38, 1-based): chr5:1,278,696, T>C on the plus strand (A>G on the coding strand, the complement: TERT is on the minus strand). VCF-style: chr5-1278696-T-C. GRCh37 (hg19) VCF-style: chr5-1278811-T-C.
Other names: c.2231A>G, p.Tyr744Cys (NM_001193376.3); short protein forms Y744C.
Identifiers: ClinVar variation 3747978 (VCV003747978.2).
Genomic context (GRCh38, chr5:1,278,696, plus strand): 5'-CTTACGTGGCTCTTGAAGGCCTTGCGGACGTGCCCATGGGCGGCCTTCTGGACCACGGCA[T>C]ACCGACGCACGCAGTACGTGTTCTGGGGTTTGATGATGCTGGCGATGACCTCCGTGAGCC-3'
Protein context (NP_937983.2, residues 734-754): KPQNTYCVRR[Tyr744Cys]AVVQKAAHGH

ClinVar aggregate classification (germline): Uncertain significance (1 of 4 stars; one submission).

Conditions:
Idiopathic Pulmonary Fibrosis. Also called: Idiopathic fibrosing alveolitis, chronic form; idiopathic fibrosing alveolitis. Identifiers: Orphanet 2032, MedGen C1800706, MeSH D054990, MONDO:0800504.
Dyskeratosis congenita, autosomal dominant 2. Identifiers: MedGen C3151443, MONDO:0013521, OMIM 613989.

Submission:

Labcorp Genetics (formerly Invitae), Labcorp
Classification: Uncertain significance for Dyskeratosis congenita, autosomal dominant 2; Idiopathic Pulmonary Fibrosis. Last evaluated: 2024-10-02. Review status: criteria provided, single submitter. Criteria: Invitae Variant Classification Sherloc (09022015). Collection method: clinical testing. Allele origin: germline.
Comment: This sequence change replaces tyrosine, which is neutral and polar, with cysteine, which is neutral and slightly polar, at codon 744 of the TERT protein (p.Tyr744Cys). This variant is not present in population databases (gnomAD no frequency). This missense change has been observed in individual(s) with pulmonary fibrosis (PMID: 35078193). Invitae Evidence Modeling of protein sequence and biophysical properties (such as structural, functional, and spatial information, amino acid conservation, physicochemical variation, residue mobility, and thermodynamic stability) indicates that this missense variant is expected to disrupt TERT protein function with a positive predictive value of 95%. In summary, the available evidence is currently insufficient to determine the role of this variant in disease. Therefore, it has been classified as a Variant of Uncertain Significance.

Literature cited by the submitters: PubMed 35078193.